The following is an entry in ClinVar:

ClinVar aggregate classification (germline): Likely pathogenic (1 of 4 stars; one submission).

Conditions:
Glycogen storage disease, type VII (GSD7). Also called: PFKM DEFICIENCY; TARUI DISEASE; GSD VII; MUSCLE PHOSPHOFRUCTOKINASE DEFICIENCY. Identifiers: Orphanet 371, MedGen C0017926, MONDO:0009295, OMIM 232800.

Submission:

Myriad Genetics, Inc.
Classification: Likely pathogenic for Glycogen storage disease, type VII. Last evaluated: 2022-04-14. Review status: criteria provided, single submitter. Criteria: Myriad Women's Health Autosomal Recessive and X-Linked Classification Criteria (2021). Collection method: clinical testing. Allele origin: unknown.
Comment: NM_001166686.1(PFKM):c.1706delG(G569Afs*11) is expected to be pathogenic in the context of glycogen storage disease type VII. This variant is predicted to lead to an abnormal or absent protein product due to the creation of a premature termination codon in PFKM, a gene where loss-of-function variants are known to be pathogenic. Please note: this variant was assessed in the context of healthy population screening.

NM_000289.6(PFKM):c.1493del (p.Gly498fs)

Gene: PFKM (phosphofructokinase, muscle; plus strand). Cytogenetic location: 12q13.11.
Variant type: Deletion.
Coding change: c.1493del on transcript NM_000289.6 (MANE Select); coding-DNA position 1493, one base deleted (G; older notation c.1493delG).
Protein change: p.Gly498fs; shifts the reading frame from glycine 498.
Molecular consequence: frameshift variant. On other transcripts: non-coding transcript variant (6).
Genome position (GRCh38, 1-based): chr12:48,141,820, G deleted; the last of 5 consecutive G bases (chr12:48,141,816-48,141,820); deleting any one gives the same sequence. VCF-style (leftmost placement, unchanged base first): chr12-48141815-TG-T. GRCh37 (hg19) VCF-style: chr12-48535598-TG-T.
Other names: c.1706del, p.Gly569fs (NM_001166686.2, NM_001354737.1, NM_001354738.1 and 1 more transcripts); c.1493del, p.Gly498fs (NM_001166687.2, NM_001166688.2, NM_001354742.2 and 2 more transcripts); c.1802del, p.Gly601fs (NM_001354735.1, NM_001354736.1); c.1637del, p.Gly546fs (NM_001354740.1); c.1517del, p.Gly506fs (NM_001354741.2); c.1406del, p.Gly469fs (NM_001354745.2); c.1367del, p.Gly456fs (NM_001354746.2); c.1343del, p.Gly448fs (NM_001354747.2, NM_001354748.2); and 1 more; short protein forms G448fs, G456fs, G467fs, G469fs, G498fs, G506fs, G546fs, G569fs.
Identifiers: ClinVar variation 1725921 (VCV001725921.2), dbSNP rs2498574377, ClinGen allele CA2580085560.